The following is an entry in ClinVar:

NM_002025.4(AFF2):c.3618_3619insA (p.Gly1207fs)

Gene: AFF2 (ALF transcription elongation factor 2; plus strand). Cytogenetic location: Xq28.
Variant type: Insertion.
Coding change: c.3618_3619insA on transcript NM_002025.4 (MANE Select); coding-DNA positions 3618 to 3619, A inserted.
Protein change: p.Gly1207fs; shifts the reading frame from glycine 1207.
Molecular consequence: frameshift variant.
Genome position: GRCh38 VCF-style: chrX-148980785-T-TA. GRCh37 (hg19) VCF-style: chrX-148062315-T-TA.
Other names: c.3513_3514insA, p.Gly1172fs (NM_001169122.2, NM_001169124.2); c.3588_3589insA, p.Gly1197fs (NM_001169123.2); c.3501_3502insA, p.Gly1168fs (NM_001169125.2); c.2541_2542insA, p.Gly848fs (NM_001170628.1); short protein forms G1168fs, G1197fs, G1207fs, G848fs, G1172fs.
Identifiers: ClinVar variation 3274528 (VCV003274528.1).

ClinVar aggregate classification (germline): Pathogenic (1 of 4 stars; one submission).

Conditions:
Inborn genetic diseases. Identifiers: MedGen C0950123, MeSH D030342.

Submission:

Ambry Genetics
Classification: Pathogenic for Inborn genetic diseases. Last evaluated: 2024-03-18. Review status: criteria provided, single submitter. Criteria: Ambry Variant Classification Scheme 2023. Collection method: clinical testing. Allele origin: germline.
Comment: The c.3618_3619insA (p.G1207Rfs*23) alteration, located in exon 19 (coding exon 19) of the AFF2 gene, consists of an insertion of A at position 3618, causing a translational frameshift with a predicted alternate stop codon after 23 amino acids. This alteration is expected to result in loss of function by premature protein truncation or nonsense-mediated mRNA decay. This variant was not reported in population-based cohorts in the Genome Aggregation Database (gnomAD). Based on the available evidence, this alteration is classified as pathogenic.